The following is an entry in ClinVar:

NM_001130987.2(DYSF):c.3541G>A (p.Asp1181Asn)

Gene: DYSF (dysferlin; plus strand). Cytogenetic location: 2p13.2.
Variant type: single nucleotide variant.
Coding change: c.3541G>A on transcript NM_001130987.2 (MANE Select); coding-DNA position 3541, G replaced by A.
Protein change: p.Asp1181Asn; replaces aspartic acid 1181 with asparagine.
Molecular consequence: missense variant.
Genome position (GRCh38, 1-based): chr2:71,590,255, G>A. VCF-style: chr2-71590255-G-A. GRCh37 (hg19) VCF-style: chr2-71817385-G-A.
Other names: p.Asp1163Asn; c.3490G>A, p.Asp1164Asn (NM_001130455.2, NM_001130983.2); c.3445G>A, p.Asp1149Asn (NM_001130976.2, NM_001130977.2); c.3487G>A, p.Asp1163Asn (NM_001130978.2, NM_003494.4); c.3580G>A, p.Asp1194Asn (NM_001130979.2); c.3538G>A, p.Asp1180Asn (NM_001130980.2, NM_001130981.2); c.3583G>A, p.Asp1195Asn (NM_001130982.2); c.3448G>A, p.Asp1150Asn (NM_001130984.2, NM_001130986.2); and 1 more; short protein forms D1181N, D1163N, D1195N, D1149N, D1150N, D1164N, D1180N, D1194N.
Identifiers: ClinVar variation 281301 (VCV000281301.28), dbSNP rs139194093, ClinGen allele CA1706621.

ClinVar aggregate classification (germline): Conflicting classifications of pathogenicity. Review status: criteria provided, conflicting classifications (1 of 4 stars). 8 submissions from 8 submitters: Uncertain significance (6); Likely benign (1). 1 of the submissions does not count toward it. Last evaluated 2026-01-27.

Conditions:
Autosomal recessive limb-girdle muscular dystrophy type 2B (LGMDR2). Also called: Limb-Girdle Muscular Dystrophy Type 2B (LGMD2B); Limb-girdle muscular dystrophy, type 2B; MUSCULAR DYSTROPHY, LIMB-GIRDLE, AUTOSOMAL RECESSIVE 2; MUSCULAR DYSTROPHY, LIMB-GIRDLE, TYPE 3. Identifiers: Orphanet 268, MedGen C1850889, MONDO:0009676, OMIM 253601.
Inborn genetic diseases. Identifiers: MedGen C0950123, MeSH D030342.
Neuromuscular disease caused by qualitative or quantitative defects of dysferlin. Also called: Qualitative or quantitative defects of dysferlin; Dysferlinopathy. Identifiers: Orphanet 207073, MedGen C2931687, MONDO:0016145.

Allele frequency attached by ClinVar (database versions not stated): ExAC 0.00012; gnomAD 0.00013; gnomAD exomes 0.00013 and 0.00028; TOPMed 0.00014; ESP Exome Variant Server 0.00023.
gnomAD v4.1: 430 of 1,614,172 alleles (0.027%); highest among the groups gnomAD compares: Non-Finnish European, 0.035%; no homozygotes.

Submissions (8):

Labcorp Genetics (formerly Invitae), Labcorp
Classification: Likely benign for Neuromuscular disease caused by qualitative or quantitative defects of dysferlin. Last evaluated: 2026-01-27. Review status: criteria provided, single submitter. Criteria: Invitae Variant Classification Sherloc (09022015). Collection method: clinical testing. Allele origin: germline.

Ambry Genetics
Classification: Uncertain significance for Inborn genetic diseases. Last evaluated: 2025-06-29. Review status: criteria provided, single submitter. Criteria: Ambry Variant Classification Scheme 2023. Collection method: clinical testing. Allele origin: germline.

GeneDx
Classification: Uncertain significance. Last evaluated: 2025-01-03. Review status: criteria provided, single submitter. Criteria: GeneDx Variant Classification Process June 2021. Collection method: clinical testing. Allele origin: germline. Affected: yes.
Comment: In silico analysis indicates that this missense variant does not alter protein structure/function; Has not been previously published as pathogenic or benign to our knowledge

Mayo Clinic Laboratories, Mayo Clinic
Classification: Uncertain significance. Last evaluated: 2022-09-15. Review status: criteria provided, single submitter. Criteria: ACMG Guidelines, 2015. Collection method: clinical testing. Allele origin: germline. Observed: 1 variant allele.

Revvity Omics, Revvity
Classification: Uncertain significance. Last evaluated: 2021-01-14. Review status: criteria provided, single submitter. Criteria: ACMG Guidelines, 2015. Collection method: clinical testing. Allele origin: germline.

Illumina Laboratory Services, Illumina
Classification: Uncertain significance for Qualitative or quantitative defects of dysferlin. Last evaluated: 2018-01-12. Review status: criteria provided, single submitter. Criteria: ICSL Variant Classification Criteria 13 December 2019. Collection method: clinical testing. Allele origin: germline.

Eurofins Ntd Llc (ga)
Classification: Uncertain significance. Last evaluated: 2015-07-02. Review status: criteria provided, single submitter. Criteria: EGL Classification Definitions 2015. Collection method: clinical testing. Allele origin: germline. Observed: 2 variant alleles, 2 heterozygotes.

Natera, Inc.
Classification: Uncertain significance for Limb-girdle muscular dystrophy type 2B. Last evaluated: 2020-03-10. Review status: no assertion criteria provided. Collection method: clinical testing. Allele origin: germline. Not counted in ClinVar's aggregate classification.